The following is an entry in ClinVar:

NM_000214.3(JAG1):c.3200-12C>T

Gene: JAG1 (jagged canonical Notch ligand 1; minus strand). Cytogenetic location: 20p12.2.
Variant type: single nucleotide variant.
Coding change: c.3200-12C>T on transcript NM_000214.3 (MANE Select); 12 bases into the intron before coding-DNA position 3200, C replaced by T.
Molecular consequence: intron variant.
Genome position (GRCh38, 1-based): chr20:10,639,967, G>A on the plus strand (C>T on the coding strand, the complement: JAG1 is on the minus strand). VCF-style: chr20-10639967-G-A. GRCh37 (hg19) VCF-style: chr20-10620615-G-A.
Identifiers: ClinVar variation 895803 (VCV000895803.12), dbSNP rs754439203, ClinGen allele CA9764250.

ClinVar aggregate classification (germline): Likely benign. Review status: criteria provided, multiple submitters, no conflicts (2 of 4 stars). 3 submissions from 3 submitters: Likely benign (3). Last evaluated 2025-03-18.

Conditions:
Alagille syndrome due to a JAG1 point mutation. Also called: Alagille Syndrome 1; HEPATIC DUCTULAR HYPOPLASIA, SYNDROMATIC; JAG1-Related Alagille Syndrome. Identifiers: Orphanet 261619, Orphanet 52, MedGen C1956125, MONDO:0016862, OMIM 118450.
Isolated Nonsyndromic Congenital Heart Disease.

Allele frequency attached by ClinVar (database versions not stated): TOPMed below 0.00001; gnomAD exomes 0.00001 and 0.00002; ExAC 0.00002.
gnomAD v4.1: 17 of 1,596,026 alleles (0.0011%); highest among the groups gnomAD compares: Non-Finnish European, 0.0015%; no homozygotes.

Submissions (3):

Labcorp Genetics (formerly Invitae), Labcorp
Classification: Likely benign for Alagille syndrome due to a JAG1 point mutation. Last evaluated: 2025-03-18. Review status: criteria provided, single submitter. Criteria: Invitae Variant Classification Sherloc (09022015). Collection method: clinical testing. Allele origin: germline.

Blueprint Genetics
Classification: Likely benign. Last evaluated: 2021-07-20. Review status: criteria provided, single submitter. Criteria: ACMG Guidelines, 2015. Collection method: clinical testing. Allele origin: germline.

Illumina Laboratory Services, Illumina
Classification: Likely benign for Isolated Nonsyndromic Congenital Heart Disease. Last evaluated: 2018-01-12. Review status: criteria provided, single submitter. Criteria: ICSL Variant Classification Criteria 13 December 2019. Collection method: clinical testing. Allele origin: germline.
Comment: This variant was observed in the ICSL laboratory as part of a predisposition screen in an ostensibly healthy population. It had not been previously curated by ICSL or reported in the Human Gene Mutation Database (HGMD: prior to June 1st, 2018), and was therefore a candidate for classification through an automated scoring system. Utilizing variant allele frequency, disease prevalence and penetrance estimates, and inheritance mode, an automated score was calculated to assess if this variant is too frequent to cause the disease. Based on the score and internal cut-off values, a variant classified as likely benign is not then subjected to further curation. The score for this variant resulted in a classification of likely benign for this disease.